The following is an entry in ClinVar:

NM_033028.5(BBS4):c.1483C>T (p.Pro495Ser)

Gene: BBS4 (Bardet-Biedl syndrome 4; plus strand). Cytogenetic location: 15q24.1.
Variant type: single nucleotide variant.
Coding change: c.1483C>T on transcript NM_033028.5 (MANE Select); coding-DNA position 1483, C replaced by T.
Protein change: p.Pro495Ser; replaces proline 495 with serine.
Molecular consequence: missense variant. On other transcripts: non-coding transcript variant (2).
Genome position (GRCh38, 1-based): chr15:72,737,510, C>T. VCF-style: chr15-72737510-C-T. GRCh37 (hg19) VCF-style: chr15-73029851-C-T.
Other names: c.967C>T, p.Pro323Ser (NM_001252678.2); c.1414C>T, p.Pro472Ser (NM_001320665.2); short protein forms P495S, P323S, P472S.
Identifiers: ClinVar variation 1962220 (VCV001962220.5), dbSNP rs775803272, ClinGen allele CA7647055.

ClinVar aggregate classification (germline): Uncertain significance (1 of 4 stars; one submission).

Conditions:
Bardet-Biedl syndrome (BBS). Identifiers: Orphanet 110, MedGen C0752166, MONDO:0015229.

Allele frequency attached by ClinVar (database versions not stated): gnomAD 0.00001; ExAC 0.00004.
gnomAD v4.1: 23 of 1,613,004 alleles (0.0014%); highest among the groups gnomAD compares: South Asian, 0.025%; 1 homozygote.

Submission:

Labcorp Genetics (formerly Invitae), Labcorp
Classification: Uncertain significance for Bardet-Biedl syndrome. Last evaluated: 2023-08-10. Review status: criteria provided, single submitter. Criteria: Invitae Variant Classification Sherloc (09022015). Collection method: clinical testing. Allele origin: germline.
Comment: This sequence change replaces proline, which is neutral and non-polar, with serine, which is neutral and polar, at codon 495 of the BBS4 protein (p.Pro495Ser). This variant is present in population databases (rs775803272, gnomAD 0.03%). This variant has not been reported in the literature in individuals affected with BBS4-related conditions. ClinVar contains an entry for this variant (Variation ID: 1962220). An algorithm developed to predict the effect of missense changes on protein structure and function (PolyPhen-2) suggests that this variant is likely to be tolerated. In summary, the available evidence is currently insufficient to determine the role of this variant in disease. Therefore, it has been classified as a Variant of Uncertain Significance.